The following is an entry in ClinVar:

NM_001099403.2(PRDM8):c.1782G>A (p.Ala594=)

Gene: PRDM8 (PR/SET domain 8; plus strand). Cytogenetic location: 4q21.21.
Variant type: single nucleotide variant.
Coding change: c.1782G>A on transcript NM_001099403.2 (MANE Select); coding-DNA position 1782, G replaced by A.
Protein change: p.Ala594=; no amino-acid change (alanine 594 retained).
Molecular consequence: synonymous variant.
Genome position (GRCh38, 1-based): chr4:80,203,244, G>A. VCF-style: chr4-80203244-G-A. GRCh37 (hg19) VCF-style: chr4-81124398-G-A.
Other names: c.1782G>A, p.Ala594= (NM_020226.4).
Identifiers: ClinVar variation 1618015 (VCV001618015.31), dbSNP rs924936492, ClinGen allele CA100001760.

ClinVar aggregate classification (germline): Likely benign. Review status: criteria provided, multiple submitters, no conflicts (2 of 4 stars). 2 submissions from 2 submitters: Likely benign (2). Last evaluated 2023-10-01.

Conditions:
Early-onset Lafora body disease. Also called: Epilepsy, progressive myoclonic, 10. Identifiers: Orphanet 324290, MedGen C4225258, MONDO:0014717, OMIM 616640.

Submissions (2):

CeGaT Center for Human Genetics Tuebingen
Classification: Likely benign. Last evaluated: 2023-10-01. Review status: criteria provided, single submitter. Criteria: CeGaT Center For Human Genetics Tuebingen Variant Classification Criteria Version 2. Collection method: clinical testing. Allele origin: germline. Affected: yes. Observed: 1 variant allele.
Comment: PRDM8: PM2:Supporting, BP4, BP7

Labcorp Genetics (formerly Invitae), Labcorp
Classification: Likely benign for Early-onset Lafora body disease. Last evaluated: 2021-02-02. Review status: criteria provided, single submitter. Criteria: Invitae Variant Classification Sherloc (09022015). Collection method: clinical testing. Allele origin: germline.